The following is an entry in ClinVar:

NM_000536.4(RAG2):c.362C>T (p.Thr121Ile)

Gene: RAG2 (recombination activating 2; minus strand). Cytogenetic location: 11p12.
Variant type: single nucleotide variant.
Coding change: c.362C>T on transcript NM_000536.4 (MANE Select); coding-DNA position 362, C replaced by T.
Protein change: p.Thr121Ile; replaces threonine 121 with isoleucine.
Molecular consequence: missense variant.
Genome position (GRCh38, 1-based): chr11:36,593,807, G>A on the plus strand (C>T on the coding strand, the complement: RAG2 is on the minus strand). VCF-style: chr11-36593807-G-A. GRCh37 (hg19) VCF-style: chr11-36615357-G-A.
Other names: c.362C>T, p.Thr121Ile (NM_001243785.2, NM_001243786.2); short protein forms T121I.
Identifiers: ClinVar variation 960496 (VCV000960496.9), dbSNP rs764684990, ClinGen allele CA5950586.

ClinVar aggregate classification (germline): Uncertain significance (1 of 4 stars; one submission).

Conditions:
Severe combined immunodeficiency, autosomal recessive, T cell-negative, B cell-negative, NK cell-positive. Also called: SCID, AR, T-cell negative, B-cell negative, NK cell-positive; SCID, T CELL-NEGATIVE, B CELL-NEGATIVE, NK CELL-POSITIVE; Severe combined immunodeficiency due to complete RAG1/2 deficiency. Identifiers: Orphanet 331206, MedGen C1832322, MONDO:0011086, OMIM 601457.
Combined immunodeficiency with skin granulomas. Identifiers: Orphanet 157949, MedGen C2673536, MONDO:0009306, OMIM 233650.

Allele frequency attached by ClinVar (database versions not stated): gnomAD exomes below 0.00001; ExAC 0.00001.
gnomAD v4.1: 1 of 1,614,158 alleles (0.000062%); highest among the groups gnomAD compares: East Asian, 0.0022%; no homozygotes.

Submission:

Labcorp Genetics (formerly Invitae), Labcorp
Classification: Uncertain significance for Combined immunodeficiency with skin granulomas; Severe combined immunodeficiency, autosomal recessive, T cell-negative, B cell-negative, NK cell-positive. Last evaluated: 2019-10-20. Review status: criteria provided, single submitter. Criteria: Invitae Variant Classification Sherloc (09022015). Collection method: clinical testing. Allele origin: germline.
Comment: In summary, the available evidence is currently insufficient to determine the role of this variant in disease. Therefore, it has been classified as a Variant of Uncertain Significance. Algorithms developed to predict the effect of missense changes on protein structure and function are either unavailable or do not agree on the potential impact of this missense change (SIFT: "Deleterious"; PolyPhen-2: "Probably Damaging"; Align-GVGD: "Class C0"). This variant has not been reported in the literature in individuals with RAG2-related conditions. This variant is present in population databases (rs764684990, ExAC 0.01%). This sequence change replaces threonine with isoleucine at codon 121 of the RAG2 protein (p.Thr121Ile). The threonine residue is highly conserved and there is a moderate physicochemical difference between threonine and isoleucine.